The following is an entry in ClinVar:

ClinVar aggregate classification (germline): Likely benign (1 of 4 stars; one submission).

gnomAD v4.1: 13 of 1,606,378 alleles (0.00081%); highest among the groups gnomAD compares: Admixed American, 0.02%; no homozygotes.

Submission:

CeGaT Center for Human Genetics Tuebingen
Classification: Likely benign. Last evaluated: 2026-03-01. Review status: criteria provided, single submitter. Criteria: CeGaT Center For Human Genetics Tuebingen Variant Classification Criteria Version 2. Collection method: clinical testing. Allele origin: germline. Affected: yes. Observed: 1 variant allele.
Comment: TRIM28: BP4, BP7

NM_005762.3(TRIM28):c.2502C>T (p.Gly834=)

Gene: TRIM28 (tripartite motif containing 28; plus strand). Cytogenetic location: 19q13.43.
Variant type: single nucleotide variant.
Coding change: c.2502C>T on transcript NM_005762.3 (MANE Select); coding-DNA position 2502, C replaced by T.
Protein change: p.Gly834=; no amino-acid change (glycine 834 retained).
Molecular consequence: synonymous variant.
Genome position (GRCh38, 1-based): chr19:58,550,547, C>T. VCF-style: chr19-58550547-C-T. GRCh37 (hg19) VCF-style: chr19-59061914-C-T.
Identifiers: ClinVar variation 4822583 (VCV004822583.4).